The following is an entry in ClinVar:

NM_004415.4(DSP):c.6351T>C (p.Asp2117=)

Gene: DSP (desmoplakin; plus strand). Cytogenetic location: 6p24.3.
Variant type: single nucleotide variant.
Coding change: c.6351T>C on transcript NM_004415.4 (MANE Select); coding-DNA position 6351, T replaced by C.
Protein change: p.Asp2117=; no amino-acid change (aspartic acid 2117 retained).
Molecular consequence: synonymous variant.
Genome position (GRCh38, 1-based): chr6:7,583,613, T>C. VCF-style: chr6-7583613-T-C. GRCh37 (hg19) VCF-style: chr6-7583846-T-C.
Other names: c.4554T>C, p.Asp1518= (NM_001008844.3); c.5022T>C, p.Asp1674= (NM_001319034.2); c.6351T>C (NM_004415.3).
Identifiers: ClinVar variation 163283 (VCV000163283.26), dbSNP rs148743859, ClinGen allele CA006883.
Genomic context (GRCh38, chr6:7,583,613, plus strand): 5'-TGATCCATTTTCAGGCAAGACAGTATCTGTTTCAGAAGCCATCAAGAAAAATTTGATTGA[T>C]AGAGAAACCGGAATGCGCCTGCTGGAAGCCCAGATTGCTTCAGGGGGTGTAGTAGACCCT-3'
Protein context (NP_004406.2, residues 2107-2127): VSEAIKKNLI[Asp2117=]RETGMRLLEA

ClinVar aggregate classification (germline): Benign/Likely benign. Review status: criteria provided, multiple submitters, no conflicts (2 of 4 stars). 11 submissions from 11 submitters: Benign (1); Likely benign (10). Last evaluated 2026-02-02.

Conditions:
Cardiovascular phenotype. Identifiers: MedGen CN230736.
DSP-related disorder. Also called: DSP-related condition; DSP-related disorders.
Cardiomyopathy (CMYO). Also called: Cardiomyopathies. Identifiers: Orphanet 167848, MedGen C0878544, MONDO:0004994, HP:0001638. Inheritance: Various modes of inheritance.
Arrhythmogenic cardiomyopathy with wooly hair and keratoderma. Also called: Dilated cardiomyopathy with woolly hair and keratoderma; Carvajal syndrome; PALMOPLANTAR KERATODERMA WITH LEFT VENTRICULAR CARDIOMYOPATHY AND WOOLLY HAIR; Arrhythmogenic cardiomyopathy with woolly hair and keratoderma. Identifiers: Orphanet 65282, MedGen C1854063, MONDO:0011581, OMIM 605676.
Arrhythmogenic right ventricular dysplasia 8 (ARVD8). Also called: Arrhythmogenic Right Ventricular Dysplasia/Cardiomyopathy 8; ARRHYTHMOGENIC RIGHT VENTRICULAR DYSPLASIA, FAMILIAL, 8; ARRHYTHMOGENIC RIGHT VENTRICULAR CARDIOMYOPATHY 8. Identifiers: MedGen C1843896, MONDO:0011831, OMIM 607450.

Allele frequency attached by ClinVar (database versions not stated): gnomAD exomes 0.00007 and 0.00015; ExAC 0.00009; TOPMed 0.00017; gnomAD 0.00018 and 0.00019; ESP Exome Variant Server 0.00038.
gnomAD v4.1: 241 of 1,614,062 alleles (0.015%); highest among the groups gnomAD compares: Non-Finnish European, 0.02%; no homozygotes.

Submissions (11):

Labcorp Genetics (formerly Invitae), Labcorp
Classification: Likely benign for Arrhythmogenic cardiomyopathy with wooly hair and keratoderma; Arrhythmogenic right ventricular dysplasia 8. Last evaluated: 2026-02-02. Review status: criteria provided, single submitter. Criteria: Invitae Variant Classification Sherloc (09022015). Collection method: clinical testing. Allele origin: germline.

Molecular Diagnostic Laboratory for Inherited Cardiovascular Disease, Montreal Heart Institute
Classification: Likely benign. Last evaluated: 2025-02-17. Review status: criteria provided, single submitter. Criteria: ACMG Guidelines, 2015. Collection method: clinical testing. Allele origin: germline. Affected: no.

PreventionGenetics, part of Exact Sciences
Classification: Likely benign for DSP-related condition. Last evaluated: 2025-01-14. Review status: criteria provided, single submitter. Criteria: ACMG Guidelines, 2015. Collection method: clinical testing. Allele origin: germline.
Comment: This variant is classified as likely benign based on ACMG/AMP sequence variant interpretation guidelines (Richards et al. 2015 PMID: 25741868, with internal and published modifications).

Blueprint Genetics
Classification: Likely benign. Last evaluated: 2024-08-21. Review status: criteria provided, single submitter. Criteria: ACMG Guidelines, 2015. Collection method: clinical testing. Allele origin: germline.

All of Us Research Program, National Institutes of Health
Classification: Likely benign for Arrhythmogenic cardiomyopathy with wooly hair and keratoderma. Last evaluated: 2024-02-05. Review status: criteria provided, single submitter. Criteria: ACMG Guidelines, 2015. Collection method: clinical testing. Allele origin: germline. Inheritance: Autosomal dominant inheritance. Observed: 38 variant alleles, 38 heterozygotes.
Comment: This study involves interpretation of variants in research participants for the purpose of population health screening. Participant phenotype was not available at the time of variant classification. Additional details can be found in publication PMID: 35346344, PMCID: PMC8962531

Ambry Genetics
Classification: Likely benign for Cardiovascular phenotype. Last evaluated: 2023-12-14. Review status: criteria provided, single submitter. Criteria: Ambry Variant Classification Scheme 2023. Collection method: clinical testing. Allele origin: germline.

GeneDx
Classification: Likely benign. Last evaluated: 2021-02-24. Review status: criteria provided, single submitter. Criteria: GeneDx Variant Classification Process June 2021. Collection method: clinical testing. Allele origin: germline. Affected: yes.

CHEO Genetics Diagnostic Laboratory, Children's Hospital of Eastern Ontario
Classification: Likely benign for Cardiomyopathy. Last evaluated: 2020-12-09. Review status: criteria provided, single submitter. Criteria: ACMG Guidelines, 2015. Collection method: clinical testing. Allele origin: germline.

Color Diagnostics, LLC DBA Color Health
Classification: Likely benign for Cardiomyopathy. Last evaluated: 2018-10-16. Review status: criteria provided, single submitter. Criteria: ACMG Guidelines, 2015. Collection method: clinical testing. Allele origin: germline.

Women's Health and Genetics/Laboratory Corporation of America, LabCorp
Classification: Benign. Last evaluated: 2016-08-09. Review status: criteria provided, single submitter. Criteria: LabCorp Variant Classification Summary - May 2015. Collection method: clinical testing. Allele origin: germline.
Comment: Variant summary: The DSP c.6351T>C (p.Asp2117Asp) variant involves the alteration of a non-conserved nucleotide, resulting in a synonymous change. One in silico tool predicts a damaging outcome for this variant. This variant was found in 11/121018 control chromosomes, predominantly observed in the European (Non-Finnish) subpopulation at a frequency of 0.0001653 (11/66564). This frequency is about 17 times the estimated maximal expected allele frequency of a pathogenic DSP variant (0.00001), suggesting this is likely a benign polymorphism found primarily in the populations of European (Non-Finnish) origin. In addition, one clinical diagnostic laboratories/reputable databases has classified this variant as likely benign. The variant of interest has not, to our knowledge, been reported in affected individuals via publications nor evaluated for functional impact by in vivo/vitro studies. Due to the synonymous nature of this variant, the lack of predicted effect on splicing, and the relatively high frequency in the normal population, this variant is classified as benign.

Laboratory for Molecular Medicine, Mass General Brigham Personalized Medicine
Classification: Likely benign. Last evaluated: 2012-03-19. Review status: criteria provided, single submitter. Criteria: LMM Criteria. Collection method: clinical testing. Allele origin: germline. Observed: 2 variant alleles.
Comment: Asp2117Asp in exon 24 of DSP: This variant is not expected to have clinical sign ificance because it does not alter an amino acid residue and is not located with in the splice consensus sequence. It has been identified in 3/7020 European Amer ican chromosomes from a broad population by the NHLBI Exome Sequencing Project (dbSNP rs148743859). Asp2117Asp in exon 24 of DSP (rs148743859; allele frequency = 0.04%, 3/7020) **